The following is an entry in ClinVar:

NM_001843.4(CNTN1):c.761T>G (p.Leu254Trp)

Gene: CNTN1 (contactin 1; plus strand). Cytogenetic location: 12q12.
Variant type: single nucleotide variant.
Coding change: c.761T>G on transcript NM_001843.4 (MANE Select); coding-DNA position 761, T replaced by G.
Protein change: p.Leu254Trp; replaces leucine 254 with tryptophan.
Molecular consequence: missense variant.
Genome position (GRCh38, 1-based): chr12:40,933,518, T>G. VCF-style: chr12-40933518-T-G. GRCh37 (hg19) VCF-style: chr12-41327320-T-G.
Other names: c.761T>G, p.Leu254Trp (NM_001256063.2, NM_001256064.2); c.728T>G, p.Leu243Trp (NM_175038.2); short protein forms L243W, L254W.
Identifiers: ClinVar variation 662050 (VCV000662050.7), dbSNP rs1592279096, ClinGen allele CA384423038.
Genomic context (GRCh38, chr12:40,933,518, plus strand): 5'-TAGGAACAACAAAACCATATCCTGCTGATATTGTAGTTCAGTTCAAGGATGTATATGCAT[T>G]GATGGGCCAAAATGTGACCTTAGAATGTTTTGCACTTGGAAAGTAAGTATACTGACACTT-3'
Protein context (NP_001834.2, residues 244-264): IVVQFKDVYA[Leu254Trp]MGQNVTLECF

ClinVar aggregate classification (germline): Uncertain significance (1 of 4 stars; one submission).

Conditions:
Compton-North congenital myopathy (CMYO12). Identifiers: Orphanet 210163, MedGen C2675527, MONDO:0012929, OMIM 612540.

Allele frequency attached by ClinVar (database versions not stated): gnomAD exomes below 0.00001.
gnomAD v4.1: 4 of 1,612,158 alleles (0.00025%); highest among the groups gnomAD compares: Non-Finnish European, 0.00034%; no homozygotes.

Submission:

Labcorp Genetics (formerly Invitae), Labcorp
Classification: Uncertain significance for Compton-North congenital myopathy. Last evaluated: 2023-07-07. Review status: criteria provided, single submitter. Criteria: Invitae Variant Classification Sherloc (09022015). Collection method: clinical testing. Allele origin: germline.
Comment: ClinVar contains an entry for this variant (Variation ID: 662050). In summary, the available evidence is currently insufficient to determine the role of this variant in disease. Therefore, it has been classified as a Variant of Uncertain Significance. Advanced modeling of protein sequence and biophysical properties (such as structural, functional, and spatial information, amino acid conservation, physicochemical variation, residue mobility, and thermodynamic stability) performed at Invitae indicates that this missense variant is not expected to disrupt CNTN1 protein function. This variant has not been reported in the literature in individuals affected with CNTN1-related conditions. This variant is not present in population databases (gnomAD no frequency). This sequence change replaces leucine, which is neutral and non-polar, with tryptophan, which is neutral and slightly polar, at codon 254 of the CNTN1 protein (p.Leu254Trp).